The following is an entry in ClinVar:

NM_006329.4(FBLN5):c.119G>A (p.Cys40Tyr)

Gene: FBLN5 (fibulin 5; minus strand). Cytogenetic location: 14q32.12.
Variant type: single nucleotide variant.
Coding change: c.119G>A on transcript NM_006329.4 (MANE Select); coding-DNA position 119, G replaced by A.
Protein change: p.Cys40Tyr; replaces cysteine 40 with tyrosine.
Molecular consequence: missense variant. On other transcripts: 5 prime UTR variant (2).
Genome position (GRCh38, 1-based): chr14:91,940,570, C>T on the plus strand (G>A on the coding strand, the complement: FBLN5 is on the minus strand). VCF-style: chr14-91940570-C-T. GRCh37 (hg19) VCF-style: chr14-92406914-C-T.
Other names: c.119G>A, p.Cys40Tyr (NM_001384158.1, NM_001384160.1); c.170G>A, p.Cys57Tyr (NM_001384159.1); c.-151G>A (NM_001384161.1, NM_001384162.1); short protein forms C40Y, C57Y.
Identifiers: ClinVar variation 4811953 (VCV004811953.1).

ClinVar aggregate classification (germline): Uncertain significance (1 of 4 stars; one submission).

Submission:

Labcorp Genetics (formerly Invitae), Labcorp
Classification: Uncertain significance. Last evaluated: 2025-11-16. Review status: criteria provided, single submitter. Criteria: Invitae Variant Classification Sherloc (09022015). Collection method: clinical testing. Allele origin: germline.
Comment: This sequence change replaces cysteine, which is neutral and slightly polar, with tyrosine, which is neutral and polar, at codon 40 of the FBLN5 protein (p.Cys40Tyr). This variant is not present in population databases (gnomAD no frequency). This variant has not been reported in the literature in individuals affected with FBLN5-related conditions. An algorithm developed to predict the effect of missense changes on protein structure and function (PolyPhen-2) suggests that this variant is likely to be tolerated. In summary, the available evidence is currently insufficient to determine the role of this variant in disease. Therefore, it has been classified as a Variant of Uncertain Significance.